The following is an entry in ClinVar:

ClinVar aggregate classification (germline): Uncertain significance. Review status: criteria provided, multiple submitters, no conflicts (2 of 4 stars). 3 submissions from 3 submitters: Uncertain significance (3). Last evaluated 2025-12-21.

Conditions:
Hereditary cancer-predisposing syndrome. Also called: Neoplastic Syndromes, Hereditary; Tumor predisposition; Hereditary Cancer Syndrome; Hereditary neoplastic syndrome. Identifiers: Orphanet 140162, MedGen C0027672, MeSH D009386, MONDO:0015356.
Hereditary nonpolyposis colorectal neoplasms. Identifiers: MedGen C0009405, MeSH D003123.
Breast-ovarian cancer, familial, susceptibility to, 1 (BROVCA1). Also called: BRCA1 Hereditary Breast and Ovarian Cancer; OVARIAN CANCER, SUSCEPTIBILITY TO. Identifiers: Orphanet 145, MedGen C2676676, MONDO:0011450, OMIM 604370. Disease mechanism: loss of function.

gnomAD v4.1: 1 of 1,612,290 alleles (0.000062%); highest among the groups gnomAD compares: Non-Finnish European, 0.000085%; no homozygotes.

Submissions (3):

Labcorp Genetics (formerly Invitae), Labcorp
Classification: Uncertain significance for Hereditary nonpolyposis colorectal neoplasms. Last evaluated: 2025-12-21. Review status: criteria provided, single submitter. Criteria: Invitae Variant Classification Sherloc (09022015). Collection method: clinical testing. Allele origin: germline.
Comment: This sequence change replaces lysine, which is basic and polar, with threonine, which is neutral and polar, at codon 1325 of the MSH6 protein (p.Lys1325Thr). This variant is not present in population databases (gnomAD no frequency). This variant has not been reported in the literature in individuals affected with MSH6-related conditions. ClinVar contains an entry for this variant (Variation ID: 870648). Invitae Evidence Modeling of protein sequence and biophysical properties (such as structural, functional, and spatial information, amino acid conservation, physicochemical variation, residue mobility, and thermodynamic stability) indicates that this missense variant is not expected to disrupt MSH6 protein function with a negative predictive value of 95%. In summary, the available evidence is currently insufficient to determine the role of this variant in disease. Therefore, it has been classified as a Variant of Uncertain Significance.

Ambry Genetics
Classification: Uncertain significance for Hereditary cancer-predisposing syndrome. Last evaluated: 2024-07-14. Review status: criteria provided, single submitter. Criteria: Ambry Variant Classification Scheme 2023. Collection method: clinical testing. Allele origin: germline.
Comment: The p.K1325T variant (also known as c.3974A>C), located in coding exon 9 of the MSH6 gene, results from an A to C substitution at nucleotide position 3974. The lysine at codon 1325 is replaced by threonine, an amino acid with similar properties. This amino acid position is conserved. In addition, the in silico prediction for this alteration is inconclusive. Based on the available evidence, the clinical significance of this variant remains unclear.

Liquid Biopsy and Cancer Interception Group, Pfizer-University of Granada-Junta de Andalucía Centre for Genomics and Oncological Research
Classification: Uncertain significance for Breast-ovarian cancer, familial, susceptibility to, 1. Review status: criteria provided, single submitter. Criteria: ACMG Guidelines, 2015. Collection method: clinical testing. Allele origin: germline. Affected: no. Observed: 1 variant allele.

NM_000179.3(MSH6):c.3974A>C (p.Lys1325Thr)

Gene: MSH6 (mutS homolog 6; plus strand). Cytogenetic location: 2p16.3.
Variant type: single nucleotide variant.
Coding change: c.3974A>C on transcript NM_000179.3 (MANE Select); coding-DNA position 3974, A replaced by C.
Protein change: p.Lys1325Thr; replaces lysine 1325 with threonine.
Molecular consequence: missense variant.
Genome position (GRCh38, 1-based): chr2:47,806,624, A>C. VCF-style: chr2-47806624-A-C. GRCh37 (hg19) VCF-style: chr2-48033763-A-C.
Other names: c.3584A>C, p.Lys1195Thr (NM_001281492.2); c.3068A>C, p.Lys1023Thr (NM_001281493.2, NM_001281494.2); short protein forms K1325T, K1195T, K1023T.
Identifiers: ClinVar variation 870648 (VCV000870648.9), dbSNP rs876658189, ClinGen allele CA346761567.